The following is an entry in ClinVar:

ClinVar aggregate classification (germline): Uncertain significance. Review status: criteria provided, multiple submitters, no conflicts (2 of 4 stars). 3 submissions from 3 submitters: Uncertain significance (3). Last evaluated 2024-03-04.

Allele frequency attached by ClinVar (database versions not stated): gnomAD exomes 0.00002; TOPMed 0.00002; ExAC 0.00003; gnomAD 0.00003.
gnomAD v4.1: 14 of 1,613,932 alleles (0.00087%); highest among the groups gnomAD compares: Admixed American, 0.013%; no homozygotes.

Submissions (3):

Ambry Genetics
Classification: Uncertain significance. Last evaluated: 2024-03-04. Review status: criteria provided, single submitter. Criteria: Ambry Variant Classification Scheme 2023. Collection method: clinical testing. Allele origin: germline.

Labcorp Genetics (formerly Invitae), Labcorp
Classification: Uncertain significance. Last evaluated: 2022-04-15. Review status: criteria provided, single submitter. Criteria: Invitae Variant Classification Sherloc (09022015). Collection method: clinical testing. Allele origin: germline.
Comment: This sequence change replaces arginine, which is basic and polar, with cysteine, which is neutral and slightly polar, at codon 408 of the SBF1 protein (p.Arg408Cys). This variant is present in population databases (rs780215637, gnomAD 0.009%). This variant has not been reported in the literature in individuals affected with SBF1-related conditions. ClinVar contains an entry for this variant (Variation ID: 1201826). Algorithms developed to predict the effect of missense changes on protein structure and function are either unavailable or do not agree on the potential impact of this missense change (SIFT: "Deleterious"; PolyPhen-2: "Probably Damaging"; Align-GVGD: "Class C0"). In summary, the available evidence is currently insufficient to determine the role of this variant in disease. Therefore, it has been classified as a Variant of Uncertain Significance.

GeneDx
Classification: Uncertain significance. Last evaluated: 2020-10-23. Review status: criteria provided, single submitter. Criteria: GeneDx Variant Classification Process June 2021. Collection method: clinical testing. Allele origin: germline. Affected: yes.
Comment: Not observed at a significant frequency in large population cohorts (Lek et al., 2016); In silico analysis, which includes protein predictors and evolutionary conservation, supports a deleterious effect; Has not been previously published as pathogenic or benign to our knowledge

NM_002972.4(SBF1):c.1222C>T (p.Arg408Cys)

Gene: SBF1 (SET binding factor 1; minus strand). Cytogenetic location: 22q13.33.
Variant type: single nucleotide variant.
Coding change: c.1222C>T on transcript NM_002972.4 (MANE Select); coding-DNA position 1222, C replaced by T.
Protein change: p.Arg408Cys; replaces arginine 408 with cysteine.
Molecular consequence: missense variant.
Genome position (GRCh38, 1-based): chr22:50,465,111, G>A on the plus strand (C>T on the coding strand, the complement: SBF1 is on the minus strand). VCF-style: chr22-50465111-G-A. GRCh37 (hg19) VCF-style: chr22-50903540-G-A.
Other names: c.1225C>T, p.Arg409Cys (NM_001365819.1); short protein forms R408C, R409C.
Identifiers: ClinVar variation 1201826 (VCV001201826.6), dbSNP rs780215637, ClinGen allele CA10317760.